The following is an entry in ClinVar:

ClinVar aggregate classification (germline): Pathogenic. Review status: criteria provided, multiple submitters, no conflicts (2 of 4 stars). 7 submissions from 7 submitters: Pathogenic (7). Last evaluated 2026-01-12.

Conditions:
3-methylcrotonyl-CoA carboxylase 1 deficiency (MCC1D). Also called: MCCD TYPE 1; METHYLCROTONYLGLYCINURIA TYPE I; MCC 1 deficiency; 3 Alpha methylcrotonylglycinuria 1. Identifiers: Orphanet 6, MedGen CN028786, MONDO:0008861, OMIM 210200.

Allele frequency attached by ClinVar (database versions not stated): ExAC 0.00001; gnomAD exomes 0.00001 and 0.00004; TOPMed 0.00002; gnomAD 0.00003.

Submissions (7):

Labcorp Genetics (formerly Invitae), Labcorp
Classification: Pathogenic for 3-methylcrotonyl-CoA carboxylase 1 deficiency. Last evaluated: 2026-01-12. Review status: criteria provided, single submitter. Criteria: Invitae Variant Classification Sherloc (09022015). Collection method: clinical testing. Allele origin: germline.
Comment: This sequence change creates a premature translational stop signal (p.Cys509Serfs*14) in the MCCC1 gene. It is expected to result in an absent or disrupted protein product. Loss-of-function variants in MCCC1 are known to be pathogenic (PMID: 11181649, 15359379, 22642865). This variant is present in population databases (rs727504002, gnomAD 0.002%). This premature translational stop signal has been observed in individuals with methylcrotonyl-CoA carboxylase deficiency (PMID: 16010683, 22642865). ClinVar contains an entry for this variant (Variation ID: 167269). For these reasons, this variant has been classified as Pathogenic.

Natera, Inc.
Classification: Pathogenic for 3-methylcrotonyl-CoA carboxylase 1 deficiency. Last evaluated: 2025-08-07. Review status: criteria provided, single submitter. Criteria: Natera Variant Classification Schema (03/2026). Collection method: clinical testing. Allele origin: germline.
Comment: The c.1526delG variant in MCCC1 is a frameshift variant predicted to shift the reading frame beginning at codon 509 and leads to a stop codon 14 codons downstream. This variant is expected to result in nonsense mediated decay, truncation, or a dysfunctional protein product. This variant is rare in the general population with a frequency below the threshold expected for the associated phenotype(s). This variant has been observed in one or more individuals affected with the associated recessive disease, as either homozygous or compound heterozygous with a second variant (PMID: 22642865). Given the available evidence, this variant is classified as Pathogenic.

Revvity Omics, Revvity
Classification: Pathogenic for 3-methylcrotonyl-CoA carboxylase 1 deficiency. Last evaluated: 2025-06-03. Review status: criteria provided, single submitter. Criteria: ACMG Guidelines, 2015. Collection method: clinical testing. Allele origin: germline.

Baylor Genetics
Classification: Pathogenic for 3-methylcrotonyl-CoA carboxylase 1 deficiency. Last evaluated: 2024-03-07. Review status: criteria provided, single submitter. Criteria: ACMG Guidelines, 2015. Collection method: clinical testing. Allele origin: unknown.

Fulgent Genetics
Classification: Pathogenic for 3-methylcrotonyl-CoA carboxylase 1 deficiency. Last evaluated: 2021-12-17. Review status: criteria provided, single submitter. Criteria: ACMG Guidelines, 2015. Collection method: clinical testing. Allele origin: unknown.

GeneDx
Classification: Pathogenic. Last evaluated: 2021-04-28. Review status: criteria provided, single submitter. Criteria: GeneDx Variant Classification Process June 2021. Collection method: clinical testing. Allele origin: germline. Affected: yes.
Comment: Frameshift variant predicted to result in protein truncation or nonsense mediated decay in a gene for which loss-of-function is a known mechanism of disease; Not observed at a significant frequency in large population cohorts (Lek et al., 2016); This variant is associated with the following publications: (PMID: 22642865, 16010683, 22264772, 25732994)

Eurofins Ntd Llc (ga)
Classification: Pathogenic. Last evaluated: 2017-01-20. Review status: criteria provided, single submitter. Criteria: EGL Classification Definitions. Collection method: clinical testing. Allele origin: germline. Observed: 4 variant alleles, 4 heterozygotes.

Literature cited by the submitters: PubMed 11181649 (cited by Labcorp Genetics (formerly Invitae), Labcorp); PubMed 15359379 (cited by Labcorp Genetics (formerly Invitae), Labcorp); PubMed 22642865 (cited by Labcorp Genetics (formerly Invitae), Labcorp and Natera, Inc.); PubMed 16010683 (cited by Labcorp Genetics (formerly Invitae), Labcorp).

NM_020166.5(MCCC1):c.1526del (p.Cys509fs)

Gene: MCCC1 (methylcrotonyl-CoA carboxylase subunit 1; minus strand). Cytogenetic location: 3q27.1.
Variant type: Deletion.
Coding change: c.1526del on transcript NM_020166.5 (MANE Select); coding-DNA position 1526, one base deleted (G; older notation c.1526delG).
Protein change: p.Cys509fs; shifts the reading frame from cysteine 509.
Molecular consequence: frameshift variant. On other transcripts: non-coding transcript variant (1).
Genome position (GRCh38, 1-based): chr3:183,037,286, C deleted on the plus strand (G on the coding strand, the reverse complement: MCCC1 is on the minus strand). VCF-style (leftmost placement, unchanged base first): chr3-183037285-GC-G. GRCh37 (hg19) VCF-style: chr3-182755073-GC-G.
Other names: c.1175del, p.Cys392fs (NM_001293273.2); c.1199del, p.Cys400fs (NM_001363880.1); c.1526del (NM_020166.4); c.1526delG (NM_020166.5); short protein forms C392fs, C509fs, C400fs.
Identifiers: ClinVar variation 167269 (VCV000167269.24), dbSNP rs727504002, ClinGen allele CA234234.